The following is an entry in ClinVar:

NM_018139.3(DNAAF2):c.728A>C (p.Glu243Ala)

Gene: DNAAF2 (dynein axonemal assembly factor 2; minus strand). Cytogenetic location: 14q21.3.
Variant type: single nucleotide variant.
Coding change: c.728A>C on transcript NM_018139.3 (MANE Select); coding-DNA position 728, A replaced by C.
Protein change: p.Glu243Ala; replaces glutamic acid 243 with alanine.
Molecular consequence: missense variant.
Genome position (GRCh38, 1-based): chr14:49,634,422, T>G on the plus strand (A>C on the coding strand, the complement: DNAAF2 is on the minus strand). VCF-style: chr14-49634422-T-G. GRCh37 (hg19) VCF-style: chr14-50101140-T-G.
Other names: c.728A>C, p.Glu243Ala (NM_001083908.2); short protein forms E243A.
Identifiers: ClinVar variation 261022 (VCV000261022.22), dbSNP rs112044935, ClinGen allele CA7173043.

ClinVar aggregate classification (germline): Benign/Likely benign. Review status: criteria provided, multiple submitters, no conflicts (2 of 4 stars). 7 submissions from 7 submitters: Benign (4); Likely benign (3). Last evaluated 2026-01-24.

Conditions:
Primary ciliary dyskinesia. Also called: Ciliary dyskinesia. Identifiers: Orphanet 244, MedGen C0008780, MONDO:0016575, HP:0012265.
Primary ciliary dyskinesia 10. Also called: CILIARY DYSKINESIA, PRIMARY, 10, WITH OR WITHOUT SITUS INVERSUS. Identifiers: Orphanet 244, MedGen C2675867, MONDO:0012918, OMIM 612518.

Allele frequency attached by ClinVar (database versions not stated): gnomAD exomes 0.00056 and 0.00145; ExAC 0.00189; 1000 Genomes Project 30x 0.00297; 1000 Genomes Project 0.00319; ESP Exome Variant Server 0.00364; gnomAD 0.00596 and 0.00642; TOPMed 0.00617.

Submissions (7):

Labcorp Genetics (formerly Invitae), Labcorp
Classification: Benign for Primary ciliary dyskinesia. Last evaluated: 2026-01-24. Review status: criteria provided, single submitter. Criteria: Invitae Variant Classification Sherloc (09022015). Collection method: clinical testing. Allele origin: germline.

Blueprint Genetics
Classification: Likely benign. Last evaluated: 2024-11-13. Review status: criteria provided, single submitter. Criteria: ACMG Guidelines, 2015. Collection method: clinical testing. Allele origin: germline.

GeneDx
Classification: Benign. Last evaluated: 2020-11-11. Review status: criteria provided, single submitter. Criteria: GeneDx Variant Classification Process June 2021. Collection method: clinical testing. Allele origin: germline. Affected: yes.

Illumina Laboratory Services, Illumina
Classification: Likely benign for Primary ciliary dyskinesia 10. Last evaluated: 2018-01-12. Review status: criteria provided, single submitter. Criteria: ICSL Variant Classification Criteria 13 December 2019. Collection method: clinical testing. Allele origin: germline.
Comment: This variant was observed in the ICSL laboratory as part of a predisposition screen in an ostensibly healthy population. It had not been previously curated by ICSL or reported in the Human Gene Mutation Database (HGMD: prior to June 1st, 2018), and was therefore a candidate for classification through an automated scoring system. Utilizing variant allele frequency, disease prevalence and penetrance estimates, and inheritance mode, an automated score was calculated to assess if this variant is too frequent to cause the disease. Based on the score and internal cut-off values, a variant classified as likely benign is not then subjected to further curation. The score for this variant resulted in a classification of likely benign for this disease.

Ambry Genetics
Classification: Benign for Primary ciliary dyskinesia. Last evaluated: 2015-04-08. Review status: criteria provided, single submitter. Criteria: Ambry Variant Classification Scheme 2023. Collection method: clinical testing. Allele origin: germline.

Breakthrough Genomics
Classification: Likely benign. Review status: criteria provided, single submitter. Criteria: ACMG Guidelines, 2015. Collection method: not provided. Allele origin: germline. Inheritance: Autosomal recessive inheritance. Affected: yes.

PreventionGenetics, part of Exact Sciences
Classification: Benign. Review status: criteria provided, single submitter. Criteria: ACMG Guidelines, 2015. Collection method: clinical testing. Allele origin: germline.